The following is an entry in ClinVar:

NM_003001.5(SDHC):c.166A>G (p.Ile56Val)

Gene: SDHC (succinate dehydrogenase complex subunit C; plus strand). Cytogenetic location: 1q23.3.
Variant type: single nucleotide variant.
Coding change: c.166A>G on transcript NM_003001.5 (MANE Select); coding-DNA position 166, A replaced by G.
Protein change: p.Ile56Val; replaces isoleucine 56 with valine.
Molecular consequence: missense variant. On other transcripts: non-coding transcript variant (1), intron variant (4).
Genome position (GRCh38, 1-based): chr1:161,328,484, A>G. VCF-style: chr1-161328484-A-G. GRCh37 (hg19) VCF-style: chr1-161298274-A-G.
Other names: c.166A>G, p.Ile56Val (NM_001035511.3, NM_001407115.1); c.109A>G, p.Ile37Val (NM_001407116.1, NM_001407117.1, NM_001407121.1); c.55A>G, p.Ile19Val (NM_001407119.1, NM_001407120.1); c.77+4814A>G (NM_001035512.3, NM_001278172.3, NM_001407118.1); c.21-12110A>G (NM_001035513.3); short protein forms I56V, I37V, I19V.
Identifiers: ClinVar variation 1052342 (VCV001052342.24), dbSNP rs1363555121, ClinGen allele CA343361313.

ClinVar aggregate classification (germline): Uncertain significance. Review status: criteria provided, multiple submitters, no conflicts (2 of 4 stars). 4 submissions from 4 submitters: Uncertain significance (4). Last evaluated 2025-06-19.

Conditions:
Gastrointestinal stromal tumor. Also called: Gastrointestinal stromal tumor, somatic; Gastrointestinal stroma tumor. Identifiers: Orphanet 44890, MedGen C0238198, MeSH D046152, MONDO:0011719, OMIM 606764, HP:0100723.
Pheochromocytoma/paraganglioma syndrome 3. Also called: GLOMUS TUMORS, FAMILIAL, 3; SDHC-Related Hereditary Paraganglioma-Pheochromocytoma Syndrome (Paragangliomas 3); Paragangliomas 3; SDHC-Related Hereditary Paraganglioma-Pheochromocytoma Syndrome. Identifiers: Orphanet 29072, MedGen C1854336, MONDO:0011544, OMIM 605373.
Hereditary cancer-predisposing syndrome. Also called: Tumor predisposition; Neoplastic Syndromes, Hereditary; Hereditary neoplastic syndrome; Hereditary Cancer Syndrome. Identifiers: Orphanet 140162, MedGen C0027672, MeSH D009386, MONDO:0015356.
Hereditary pheochromocytoma and paraganglioma. Also called: Hereditary paragangliomas and pheochromocytomas; Hereditary Paraganglioma-Pheochromocytoma Syndromes; Hereditary pheochromocytoma-paraganglioma. Identifiers: Orphanet 29072, MedGen C4274332, MONDO:0017366.

gnomAD v4.1: 1 of 1,604,718 alleles (0.000062%); no homozygotes.

Submissions (4):

Ambry Genetics
Classification: Uncertain significance for Hereditary cancer-predisposing syndrome. Last evaluated: 2025-06-19. Review status: criteria provided, single submitter. Criteria: Ambry Variant Classification Scheme 2023. Collection method: clinical testing. Allele origin: germline.
Comment: The p.I56V variant (also known as c.166A>G), located in coding exon 3 of the SDHC gene, results from an A to G substitution at nucleotide position 166. The isoleucine at codon 56 is replaced by valine, an amino acid with highly similar properties. This amino acid position is conserved. In addition, the in silico prediction for this alteration is inconclusive. Based on the available evidence, the clinical significance of this variant remains unclear.

Color Diagnostics, LLC DBA Color Health
Classification: Uncertain significance for Hereditary pheochromocytoma and paraganglioma. Last evaluated: 2025-06-09. Review status: criteria provided, single submitter. Criteria: ACMG Guidelines, 2015. Collection method: clinical testing. Allele origin: germline.
Comment: This missense variant replaces isoleucine with valine at codon 56 of the SDHC protein. Computational prediction suggests that this variant may not impact protein structure and function. To our knowledge, functional studies have not been reported for this variant. This variant has not been reported in individuals affected with SDHC-related disorders in the literature. This variant has not been identified in the general population by the Genome Aggregation Database (gnomAD). The available evidence is insufficient to determine the role of this variant in disease conclusively. Therefore, this variant is classified as a Variant of Uncertain Significance.

Labcorp Genetics (formerly Invitae), Labcorp
Classification: Uncertain significance for Pheochromocytoma/paraganglioma syndrome 3; Gastrointestinal stromal tumor. Last evaluated: 2025-01-22. Review status: criteria provided, single submitter. Criteria: Invitae Variant Classification Sherloc (09022015). Collection method: clinical testing. Allele origin: germline.
Comment: This sequence change replaces isoleucine, which is neutral and non-polar, with valine, which is neutral and non-polar, at codon 56 of the SDHC protein (p.Ile56Val). This variant is not present in population databases (gnomAD no frequency). This variant has not been reported in the literature in individuals affected with SDHC-related conditions. ClinVar contains an entry for this variant (Variation ID: 1052342). Invitae Evidence Modeling of protein sequence and biophysical properties (such as structural, functional, and spatial information, amino acid conservation, physicochemical variation, residue mobility, and thermodynamic stability) indicates that this missense variant is expected to disrupt SDHC protein function with a positive predictive value of 95%. In summary, the available evidence is currently insufficient to determine the role of this variant in disease. Therefore, it has been classified as a Variant of Uncertain Significance.

Sema4
Classification: Uncertain significance for Hereditary cancer-predisposing syndrome. Last evaluated: 2021-07-20. Review status: criteria provided, single submitter. Criteria: Sema4 Curation Guidelines. Collection method: curation. Allele origin: germline.
Comment: The SDHC c.166A>G (p.I56V) variant has not been reported in the literature to our knowledge. It was not observed in the large and broad cohorts of the Genome Aggregation Database (PMID: 32461654). The variant has been reported in ClinVar (Variation ID: 1052342). Functional studies have not been performed, and in silico predictions of the variant's effect on protein function are inconclusive. The evidence is insufficient to meet ACMG/AMP criteria for classifying the variant as benign or pathogenic. Thus, the clinical significance of this variant is currently uncertain.